The following is an entry in ClinVar:

ClinVar aggregate classification (germline): Benign. Review status: criteria provided, multiple submitters, no conflicts (2 of 4 stars). 10 submissions from 10 submitters: Benign (8). 2 of the submissions do not count toward it. Last evaluated 2026-02-04.

Conditions:
Polycystic kidney disease 4 (PKD4). Also called: POLYCYSTIC KIDNEY AND HEPATIC DISEASE 1; POLYCYSTIC KIDNEY DISEASE, INFANTILE, TYPE I; POLYCYSTIC KIDNEY DISEASE 4 WITH OR WITHOUT POLYCYSTIC LIVER DISEASE; PKD3; Autosomal Recessive Polycystic Kidney Disease – PKHD1. Identifiers: MedGen C4540575, MONDO:0033004, OMIM 263200.
Autosomal recessive polycystic kidney disease (ARPKD). Also called: AR polycystic kidney disease. Identifiers: Orphanet 731, Orphanet 8378, MedGen C0085548, MeSH D017044, MONDO:0009889.
Polycystic kidney disease. Also called: Kidney, Polycystic; Polycystic kidney dysplasia. Identifiers: MedGen C0022680, MeSH D007690, MONDO:0020642, HP:0000113.

Allele frequency attached by ClinVar (database versions not stated): TOPMed 0.04593; ESP Exome Variant Server 0.05005; gnomAD 0.05014 and 0.05310; 1000 Genomes Project 30x 0.05981; 1000 Genomes Project 0.06330; gnomAD exomes 0.06653 and 0.06994; ExAC 0.06790.
gnomAD v4.1: 109,902 of 1,612,956 alleles (6.8%); highest among the groups gnomAD compares: East Asian, 12%; 4,200 homozygotes.

Submissions (10):

Labcorp Genetics (formerly Invitae), Labcorp
Classification: Benign for Autosomal recessive polycystic kidney disease. Last evaluated: 2026-02-04. Review status: criteria provided, single submitter. Criteria: Invitae Variant Classification Sherloc (09022015). Collection method: clinical testing. Allele origin: germline.

Blueprint Genetics
Classification: Benign. Last evaluated: 2024-11-27. Review status: criteria provided, single submitter. Criteria: ACMG Guidelines, 2015. Collection method: clinical testing. Allele origin: germline.

Mayo Clinic Laboratories, Mayo Clinic
Classification: Benign. Last evaluated: 2022-03-09. Review status: criteria provided, single submitter. Criteria: ACMG Guidelines, 2015. Collection method: clinical testing. Allele origin: germline. Observed: 60 variant alleles.

Pars Genome Lab
Classification: Benign for Polycystic kidney disease 4. Last evaluated: 2021-06-19. Review status: criteria provided, single submitter. Criteria: ACMG Guidelines, 2015. Collection method: clinical testing. Allele origin: germline. Affected: no.

GeneDx
Classification: Benign. Last evaluated: 2018-07-09. Review status: criteria provided, single submitter. Criteria: GeneDx Variant Classification Process June 2021. Collection method: clinical testing. Allele origin: germline. Affected: yes.

Illumina Laboratory Services, Illumina
Classification: Benign for Polycystic kidney disease 4. Last evaluated: 2018-01-13. Review status: criteria provided, single submitter. Criteria: ICSL Variant Classification Criteria 13 December 2019. Collection method: clinical testing. Allele origin: germline.
Comment: This variant was observed in the ICSL laboratory as part of a predisposition screen in an ostensibly healthy population. It had not been previously curated by ICSL or reported in the Human Gene Mutation Database (HGMD: prior to June 1st, 2018), and was therefore a candidate for classification through an automated scoring system. Utilizing variant allele frequency, disease prevalence and penetrance estimates, and inheritance mode, an automated score was calculated to assess if this variant is too frequent to cause the disease. Based on the score and internal cut-off values, a variant classified as benign is not then subjected to further curation. The score for this variant resulted in a classification of benign for this disease.

Eurofins Ntd Llc (ga)
Classification: Benign. Last evaluated: 2013-04-23. Review status: criteria provided, single submitter. Criteria: EGL Classification Definitions 2015. Collection method: clinical testing. Allele origin: germline. Observed: 17 variant alleles, 14 heterozygotes, 3 homozygotes.

PreventionGenetics, part of Exact Sciences
Classification: Benign. Review status: criteria provided, single submitter. Criteria: ACMG Guidelines, 2015. Collection method: clinical testing. Allele origin: germline.

Natera, Inc.
Classification: Benign for Autosomal recessive polycystic kidney disease. Last evaluated: 2017-05-11. Review status: no assertion criteria provided. Collection method: clinical testing. Allele origin: germline. Not counted in ClinVar's aggregate classification.

Department of Pathology and Laboratory Medicine, Sinai Health System
Classification: Benign for Polycystic Kidney disease. Review status: no assertion criteria provided. Collection method: clinical testing. Allele origin: unknown. Affected: yes. Study: The Canadian Open Genetics Repository (COGR). Not counted in ClinVar's aggregate classification.
Comment: Thec.1587T>C, p.Asn529Asn variant was identified in 6.79% of 8219 control alleles in the Exome Aggregation Consortium (March 14, 2016). According to ACMG guidelines for variant classification based on allele frequency, category BA1, this variant is considered benign and has not been further reviewed (Richards 2015).

NM_138694.4(PKHD1):c.1587T>C (p.Asn529=)

Gene: PKHD1 (PKHD1 ciliary IPT domain containing fibrocystin/polyductin; minus strand). Cytogenetic location: 6p12.2.
Variant type: single nucleotide variant.
Coding change: c.1587T>C on transcript NM_138694.4 (MANE Select); coding-DNA position 1587, T replaced by C.
Protein change: p.Asn529=; no amino-acid change (asparagine 529 retained).
Molecular consequence: synonymous variant.
Genome position (GRCh38, 1-based): chr6:52,056,905, A>G on the plus strand (T>C on the coding strand, the complement: PKHD1 is on the minus strand). VCF-style: chr6-52056905-A-G. GRCh37 (hg19) VCF-style: chr6-51921703-A-G.
Other names: p.Asn529=; c.1587T>C, p.Asn529= (NM_170724.3).
Identifiers: ClinVar variation 96378 (VCV000096378.31), dbSNP rs62406036, ClinGen allele CA149491.